The following is an entry in ClinVar:

ClinVar aggregate classification (germline): Benign (1 of 4 stars; one submission).

Allele frequency attached by ClinVar (database versions not stated): 1000 Genomes Project 30x 0.00297; TOPMed 0.00335; 1000 Genomes Project 0.00339; gnomAD 0.00340; ESP Exome Variant Server 0.00419; ExAC 0.00707.
gnomAD v4.1: 7,480 of 1,603,404 alleles (0.47%); highest among the groups gnomAD compares: East Asian, 0.57%; 27 homozygotes.

Submission:

CeGaT Center for Human Genetics Tuebingen
Classification: Benign. Last evaluated: 2026-06-01. Review status: criteria provided, single submitter. Criteria: CeGaT Center For Human Genetics Tuebingen Variant Classification Criteria Version 2. Collection method: clinical testing. Allele origin: germline. Affected: yes. Observed: 11 variant alleles.
Comment: LRRC7: BP4, BP7, BS1, BS2

NM_001370785.2(LRRC7):c.36G>A (p.Pro12=)

Gene: LRRC7 (leucine rich repeat containing 7; plus strand). Cytogenetic location: 1p31.1.
Variant type: single nucleotide variant.
Coding change: c.36G>A on transcript NM_001370785.2 (MANE Select); coding-DNA position 36, G replaced by A.
Protein change: p.Pro12=; no amino-acid change (proline 12 retained).
Molecular consequence: synonymous variant. On other transcripts: 5 prime UTR variant (4).
Genome position (GRCh38, 1-based): chr1:69,678,414, G>A. VCF-style: chr1-69678414-G-A. GRCh37 (hg19) VCF-style: chr1-70144097-G-A.
Other names: c.-141G>A (NM_001366839.3, NM_001366841.1, NM_001330635.3 and 1 more transcripts); c.39G>A, p.Pro13= (NM_001366840.1, NM_001350216.3); c.93G>A, p.Pro31= (NM_001366842.1); c.36G>A, p.Pro12= (NM_001366836.3, NM_001366838.3).
Identifiers: ClinVar variation 2638874 (VCV002638874.24), dbSNP rs115352313, ClinGen allele CA903350.
Genomic context (GRCh38, chr1:69,678,414, plus strand): 5'-AAATACTCTTCTGATTCTCTCTTATAGGATGGAGAACCTAATAAGGGGAAGGAATCCCCC[G>A]CAATACCAGAGAAGTCCTTGTAAAGAGGTTCGTGCAGCACTTCGGAAGAGGCCTGAAGAG-3'
Protein context (NP_001357714.1, residues 2-22): MENLIRGRNP[Pro12=]QYQRSPCKEV